The following is an entry in ClinVar:

NM_000487.6(ARSA):c.1177A>G (p.Thr393Ala)

Gene: ARSA (arylsulfatase A; minus strand). Cytogenetic location: 22q13.33.
Variant type: single nucleotide variant.
Coding change: c.1177A>G on transcript NM_000487.6 (MANE Select); coding-DNA position 1177, A replaced by G.
Protein change: p.Thr393Ala; replaces threonine 393 with alanine.
Molecular consequence: missense variant.
Genome position (GRCh38, 1-based): chr22:50,625,612, T>C on the plus strand (A>G on the coding strand, the complement: ARSA is on the minus strand). VCF-style: chr22-50625612-T-C. GRCh37 (hg19) VCF-style: chr22-51064040-T-C.
Other names: c.1177A>G, p.Thr393Ala (NM_001085425.3, NM_001085426.3, NM_001085427.3); c.919A>G, p.Thr307Ala (NM_001085428.3, NM_001362782.2); short protein forms T393A, T307A.
Identifiers: ClinVar variation 5003972 (VCV005003972.1), dbSNP rs757603437.
Genomic context (GRCh38, chr22:50,625,612, plus strand): 5'-GGGGAGGGATCCACGGGGAGGGGTTACCCTGGGTGAAGAAGTGAGCCTTGTACTTTCCAG[T>C]CCGCACAGCAAAAACCCCACGGACCTCGTCTGGGTAGGACGGGTAGAAGAAGAGAGACTG-3'
Protein context (NP_000478.3, residues 383-403): DEVRGVFAVR[Thr393Ala]GKYKAHFFTQ

ClinVar aggregate classification (germline): Uncertain significance (1 of 4 stars; one submission).

Conditions:
Metachromatic leukodystrophy (MLD). Also called: METACHROMATIC LEUKOENCEPHALOPATHY; Cerebral sclerosis diffuse metachromatic form; Arylsulfatase A Deficiency; SULFATIDE LIPIDOSIS; ARSA DEFICIENCY; CEREBROSIDE SULFATASE DEFICIENCY. Identifiers: Orphanet 512, MedGen C0023522, MONDO:0018868, OMIM 250100.

Allele frequency attached by ClinVar (database versions not stated): ExAC 0.00002; gnomAD 0.00003; gnomAD exomes 0.00003; TOPMed 0.00003.
gnomAD v4.1: 55 of 1,613,332 alleles (0.0034%); highest among the groups gnomAD compares: Non-Finnish European, 0.0042%; no homozygotes.

Submission:

Myriad Genetics, Inc.
Classification: Uncertain significance for Metachromatic leukodystrophy. Last evaluated: 2026-07-20. Review status: criteria provided, single submitter. Criteria: Myriad Autosomal Dominant, Autosomal Recessive and X-Linked Classification Criteria (2023). Collection method: clinical testing. Allele origin: unknown.
Comment: NM_000487.5(ARSA):c.1177A>G(T393A) is a missense variant classified as a variant of uncertain significance in the context of metachromatic leukodystrophy. T393A has been observed in a case with relevant disease (PMID: 16608548). Relevant functional assessments of this variant are available in the literature (PMID: 37480112). T393A has been observed in referenced population frequency databases. In summary, there is insufficient evidence to classify NM_000487.5(ARSA):c.1177A>G(T393A) as pathogenic or benign. Please note: this variant was assessed in the context of healthy population screening.

Literature cited by the submitters: PubMed 16608548; PubMed 37480112.